The following is an entry in ClinVar:

NM_000419.5(ITGA2B):c.2390del (p.Gly797fs)

Gene: ITGA2B (integrin subunit alpha 2b; minus strand). Cytogenetic location: 17q21.31.
Variant type: Deletion.
Coding change: c.2390del on transcript NM_000419.5 (MANE Select); coding-DNA position 2390, one base deleted (G; older notation c.2390delG).
Protein change: p.Gly797fs; shifts the reading frame from glycine 797.
Molecular consequence: frameshift variant.
Genome position (GRCh38, 1-based): chr17:44,376,143, C deleted on the plus strand (G on the coding strand, the reverse complement: ITGA2B is on the minus strand); the first of 2 consecutive C bases (chr17:44,376,143-44,376,144); deleting either gives the same sequence. VCF-style (leftmost placement, unchanged base first): chr17-44376142-AC-A. GRCh37 (hg19) VCF-style: chr17-42453510-AC-A.
Other names: NM_000419.5:c.2390del; short protein forms G797fs.
Identifiers: ClinVar variation 1879023 (VCV001879023.1), dbSNP rs2510075036, ClinGen allele CA2573131754.

ClinVar aggregate classification (germline): Pathogenic (3 of 4 stars; one submission).

Conditions:
Glanzmann thrombasthenia. Also called: PLATELET GLYCOPROTEIN IIb-IIIa DEFICIENCY; BLEEDING DISORDER, PLATELET-TYPE, 2; THROMBASTHENIA OF GLANZMANN AND NAEGELI; Thrombasthenia; Glanzmann's thrombasthenia. Identifiers: Orphanet 849, MedGen C0040015, MONDO:0100326.

Submission:

ClinGen Platelet Disorders Variant Curation Expert Panel, ClinGen
Classification: Pathogenic for Glanzmann thrombasthenia. Last evaluated: 2022-09-20. Review status: reviewed by expert panel. Criteria: ClinGen Platelet ACMG Specifications v2-1. Collection method: curation. Allele origin: germline. Inheritance: Autosomal recessive inheritance.
Comment: The NM_000419.5(ITGA2B):c.2390del (p.Gly797ValfsTer29) frameshift variant in exon 24 is predicted to cause a premature stop codon in biologically-relevant-exon 25/30 and is predicted to lead to nonsense mediated decay in a gene in which loss-of-function is an established disease mechanism (PVS1). At least one patient (Case 9 in PMID: 34066320) with this variant displayed mucocutaneous bleeding and impaired aggregation with all agonists except ristocetin, which is highly specific for Glanzmann thrombasthenia (PP4_moderate). This variant is absent from gnomAD v2.1.1 (PM2_Supporting). In summary, based on the available evidence at this time, the variant is classified as pathogenic for GT. GT-specific criteria applied: PVS1, PM2_supporting, PP4_moderate.